The following is an entry in ClinVar:

ClinVar aggregate classification (germline): Pathogenic (1 of 4 stars; one submission).

Conditions:
Tuberous sclerosis 1 (TSC1). Identifiers: Orphanet 805, MedGen C1854465, MONDO:0008612, OMIM 191100.

Submission:

Labcorp Genetics (formerly Invitae), Labcorp
Classification: Pathogenic for Tuberous sclerosis 1. Last evaluated: 2024-03-03. Review status: criteria provided, single submitter. Criteria: Invitae Variant Classification Sherloc (09022015). Collection method: clinical testing. Allele origin: germline.
Comment: This sequence change creates a premature translational stop signal (p.Gly680Glufs*44) in the TSC1 gene. It is expected to result in an absent or disrupted protein product. Loss-of-function variants in TSC1 are known to be pathogenic (PMID: 10227394, 17304050). This variant is not present in population databases (gnomAD no frequency). This variant has not been reported in the literature in individuals affected with TSC1-related conditions. ClinVar contains an entry for this variant (Variation ID: 1387507). For these reasons, this variant has been classified as Pathogenic.

Literature cited by the submitters: PubMed 10227394; PubMed 17304050.

NM_000368.5(TSC1):c.2039del (p.Gly680fs)

Gene: TSC1 (TSC complex subunit 1; minus strand). Cytogenetic location: 9q34.13.
Variant type: Deletion.
Coding change: c.2039del on transcript NM_000368.5 (MANE Select); coding-DNA position 2039, one base deleted (G; older notation c.2039delG).
Protein change: p.Gly680fs; shifts the reading frame from glycine 680.
Molecular consequence: frameshift variant.
Genome position (GRCh38, 1-based): chr9:132,904,413, C deleted on the plus strand (G on the coding strand, the reverse complement: TSC1 is on the minus strand); the first of 2 consecutive C bases (chr9:132,904,413-132,904,414); deleting either gives the same sequence. VCF-style (leftmost placement, unchanged base first): chr9-132904412-TC-T. GRCh37 (hg19) VCF-style: chr9-135779799-TC-T.
Other names: c.2036del, p.Gly679fs (NM_001162426.2); c.1886del, p.Gly629fs (NM_001162427.2); c.1676del, p.Gly559fs (NM_001362177.2); short protein forms G679fs, G629fs, G559fs, G680fs.
Identifiers: ClinVar variation 1387507 (VCV001387507.6), dbSNP rs2131786241, ClinGen allele CA2573144254.